The following is an entry in ClinVar:

NM_014317.5(PDSS1):c.162+13A>G

Gene: PDSS1 (decaprenyl diphosphate synthase subunit 1; plus strand). Cytogenetic location: 10p12.1.
Variant type: single nucleotide variant.
Coding change: c.162+13A>G on transcript NM_014317.5 (MANE Select); 13 bases into the intron after coding-DNA position 162, A replaced by G.
Molecular consequence: intron variant.
Genome position (GRCh38, 1-based): chr10:26,702,207, A>G. VCF-style: chr10-26702207-A-G. GRCh37 (hg19) VCF-style: chr10-26991136-A-G.
Other names: c.-432+13A>G (NM_001321979.2); c.162+13A>G (NM_001321978.2).
Identifiers: ClinVar variation 138685 (VCV000138685.14), dbSNP rs12571799, ClinGen allele CA292771.
Genomic context (GRCh38, chr10:26,702,207, plus strand): 5'-TTTTTGATTTTACAGGTTCATAGGCGGAAGGGACTTGACTTGTCTCAGGTAAGACTTTGG[A>G]CTTGGACTTTTGAGTTAATGCTAGAATGAGTTAAGACTTTTGGGGACTGTTCGGAAGGAA-3'

ClinVar aggregate classification (germline): Benign. Review status: criteria provided, multiple submitters, no conflicts (2 of 4 stars). 4 submissions from 4 submitters: Benign (4). Last evaluated 2026-02-01.

Conditions:
Deafness-encephaloneuropathy-obesity-valvulopathy syndrome. Identifiers: Orphanet 254898, MedGen C3553354, MONDO:0013837, OMIM 614651.

Allele frequency attached by ClinVar (database versions not stated): ExAC 0.00261; gnomAD 0.00410 and 0.00545; gnomAD exomes 0.00604 and 0.01241; TOPMed 0.00663; 1000 Genomes Project 30x 0.02014; 1000 Genomes Project 0.02177.
gnomAD v4.1: 2,609 of 449,104 alleles (0.58%); highest among the groups gnomAD compares: East Asian, 12%; 105 homozygotes.

Submissions (4):

Labcorp Genetics (formerly Invitae), Labcorp
Classification: Benign. Last evaluated: 2026-02-01. Review status: criteria provided, single submitter. Criteria: Invitae Variant Classification Sherloc (09022015). Collection method: clinical testing. Allele origin: germline.

Illumina Laboratory Services, Illumina
Classification: Benign for Deafness-encephaloneuropathy-obesity-valvulopathy syndrome. Last evaluated: 2018-01-13. Review status: criteria provided, single submitter. Criteria: ICSL Variant Classification Criteria 13 December 2019. Collection method: clinical testing. Allele origin: germline.
Comment: This variant was observed in the ICSL laboratory as part of a predisposition screen in an ostensibly healthy population. It had not been previously curated by ICSL or reported in the Human Gene Mutation Database (HGMD: prior to June 1st, 2018), and was therefore a candidate for classification through an automated scoring system. Utilizing variant allele frequency, disease prevalence and penetrance estimates, and inheritance mode, an automated score was calculated to assess if this variant is too frequent to cause the disease. Based on the score and internal cut-off values, a variant classified as benign is not then subjected to further curation. The score for this variant resulted in a classification of benign for this disease.

GeneDx
Classification: Benign. Last evaluated: 2013-11-02. Review status: criteria provided, single submitter. Criteria: GeneDx Variant Classification (06012015). Collection method: clinical testing. Allele origin: germline. Affected: yes.
Comment: This variant is considered likely benign or benign based on one or more of the following criteria: it is a conservative change, it occurs at a poorly conserved position in the protein, it is predicted to be benign by multiple in silico algorithms, and/or has population frequency not consistent with disease.

Breakthrough Genomics
Classification: Benign. Review status: criteria provided, single submitter. Criteria: ACMG Guidelines, 2015. Collection method: not provided. Allele origin: germline. Inheritance: Autosomal recessive inheritance. Affected: yes.